The following is an entry in ClinVar:

ClinVar aggregate classification (germline): Uncertain significance. Review status: criteria provided, multiple submitters, no conflicts (2 of 4 stars). 3 submissions from 3 submitters: Uncertain significance (3). Last evaluated 2024-09-24.

Conditions:
Inborn genetic diseases. Identifiers: MedGen C0950123, MeSH D030342.
Myopathy, centronuclear, 5 (CNM5). Identifiers: Orphanet 169186, MedGen C4014814, MONDO:0014418, OMIM 615959.

Allele frequency attached by ClinVar (database versions not stated): TOPMed below 0.00001; gnomAD 0.00001; gnomAD exomes 0.00001.
gnomAD v4.1: 10 of 1,610,886 alleles (0.00062%); highest among the groups gnomAD compares: African/African-American, 0.0013%; no homozygotes.

Submissions (3):

Ambry Genetics
Classification: Uncertain significance for Inborn genetic diseases. Last evaluated: 2024-09-24. Review status: criteria provided, single submitter. Criteria: Ambry Variant Classification Scheme 2023. Collection method: clinical testing. Allele origin: germline.

Revvity Omics, Revvity
Classification: Uncertain significance for Myopathy, centronuclear, 5. Last evaluated: 2024-03-13. Review status: criteria provided, single submitter. Criteria: ACMG Guidelines, 2015. Collection method: clinical testing. Allele origin: germline.

Labcorp Genetics (formerly Invitae), Labcorp
Classification: Uncertain significance. Last evaluated: 2021-08-26. Review status: criteria provided, single submitter. Criteria: Invitae Variant Classification Sherloc (09022015). Collection method: clinical testing. Allele origin: germline.
Comment: In summary, the available evidence is currently insufficient to determine the role of this variant in disease. Therefore, it has been classified as a Variant of Uncertain Significance. Algorithms developed to predict the effect of missense changes on protein structure and function are either unavailable or do not agree on the potential impact of this missense change (SIFT: "Deleterious"; PolyPhen-2: "Probably Damaging"; Align-GVGD: "Class C0"). This variant has not been reported in the literature in individuals affected with SPEG-related conditions. This variant is not present in population databases (ExAC no frequency). This sequence change replaces arginine with cysteine at codon 3228 of the SPEG protein (p.Arg3228Cys). The arginine residue is highly conserved and there is a large physicochemical difference between arginine and cysteine.

NM_005876.5(SPEG):c.9682C>T (p.Arg3228Cys)

Genes: ASIC4-AS1 (ASIC4 antisense RNA 1; minus strand), SPEG (striated muscle enriched protein kinase; plus strand). Cytogenetic location: 2q35.
Variant type: single nucleotide variant.
Coding change: c.9682C>T on transcript NM_005876.5 (MANE Select); coding-DNA position 9682, C replaced by T.
Protein change: p.Arg3228Cys; replaces arginine 3228 with cysteine.
Molecular consequence: missense variant.
Genome position (GRCh38, 1-based): chr2:219,492,664, C>T. VCF-style: chr2-219492664-C-T. GRCh37 (hg19) VCF-style: chr2-220357386-C-T.
Other names: c.9682C>T (NM_005876.4); short protein forms R3228C.
Identifiers: ClinVar variation 1377797 (VCV001377797.8), dbSNP rs1215400140, ClinGen allele CA350719677.